The following is an entry in ClinVar:

NM_017534.6(MYH2):c.1913G>A (p.Gly638Glu)

Genes: MYH2 (myosin heavy chain 2; minus strand), MYHAS (myosin heavy chain gene cluster antisense RNA; plus strand). Cytogenetic location: 17p13.1.
Variant type: single nucleotide variant.
Coding change: c.1913G>A on transcript NM_017534.6 (MANE Select); coding-DNA position 1913, G replaced by A.
Protein change: p.Gly638Glu; replaces glycine 638 with glutamic acid.
Molecular consequence: missense variant.
Genome position (GRCh38, 1-based): chr17:10,536,591, C>T on the plus strand (G>A on the coding strand, the complement: MYH2 is on the minus strand). VCF-style: chr17-10536591-C-T. GRCh37 (hg19) VCF-style: chr17-10439908-C-T.
Other names: c.1913G>A, p.Gly638Glu (NM_001100112.2); short protein forms G638E.
Identifiers: ClinVar variation 884792 (VCV000884792.6), dbSNP rs2073484495, ClinGen allele CA398152725.

ClinVar aggregate classification (germline): Uncertain significance. Review status: criteria provided, single submitter (1 of 4 stars). 2 submissions from 2 submitters: Uncertain significance (1). 1 of the submissions does not count toward it. Last evaluated 2018-01-12.

Conditions:
Myopathy, proximal, and ophthalmoplegia (CMYO6). Also called: CONGENITAL MYOPATHY 6 WITH OPHTHALMOPLEGIA; INCLUSION BODY MYOPATHY 3, AUTOSOMAL DOMINANT; MYOPATHY WITH CONGENITAL JOINT CONTRACTURES, OPHTHALMOPLEGIA, AND RIMMED VACUOLES. Identifiers: Orphanet 363677, Orphanet 79091, MedGen C1854106, MONDO:0011577, OMIM 605637.
MYH2-related disorder. Also called: MYH2-related condition.

Submissions (2):

Illumina Laboratory Services, Illumina
Classification: Uncertain significance for Myopathy, proximal, and ophthalmoplegia. Last evaluated: 2018-01-12. Review status: criteria provided, single submitter. Criteria: ICSL Variant Classification Criteria 13 December 2019. Collection method: clinical testing. Allele origin: germline.

PreventionGenetics, part of Exact Sciences
Classification: Uncertain significance for MYH2-related condition. Last evaluated: 2023-11-27. Review status: no assertion criteria provided. Collection method: clinical testing. Allele origin: germline. Not counted in ClinVar's aggregate classification.
Comment: The MYH2 c.1913G>A variant is predicted to result in the amino acid substitution p.Gly638Glu. To our knowledge, this variant has not been reported in the literature or in a large population database, indicating this variant is rare. At this time, the clinical significance of this variant is uncertain due to the absence of conclusive functional and genetic evidence.